The following is an entry in ClinVar:

ClinVar aggregate classification (germline): Pathogenic/Likely pathogenic. Review status: criteria provided, multiple submitters, no conflicts (2 of 4 stars). 2 submissions from 2 submitters: Pathogenic (1); Likely pathogenic (1). Last evaluated 2023-10-09.

Conditions:
Hermansky-Pudlak syndrome 4 (HPS4). Identifiers: Orphanet 231500, Orphanet 79430, MedGen C3484357, MONDO:0013556, OMIM 614073.

Submissions (2):

Labcorp Genetics (formerly Invitae), Labcorp
Classification: Pathogenic. Last evaluated: 2023-10-09. Review status: criteria provided, single submitter. Criteria: Invitae Variant Classification Sherloc (09022015). Collection method: clinical testing. Allele origin: germline.
Comment: This sequence change creates a premature translational stop signal (p.Leu590Alafs*4) in the HPS4 gene. It is expected to result in an absent or disrupted protein product. Loss-of-function variants in HPS4 are known to be pathogenic (PMID: 12664304). This variant is not present in population databases (gnomAD no frequency). This variant has not been reported in the literature in individuals affected with HPS4-related conditions. ClinVar contains an entry for this variant (Variation ID: 2413185). For these reasons, this variant has been classified as Pathogenic.

Diagnostics Services (NGS), CSIR - Centre For Cellular And Molecular Biology
Classification: Likely pathogenic for Hermansky-Pudlak syndrome 4. Last evaluated: 2023-01-10. Review status: criteria provided, single submitter. Criteria: ACMG Guidelines, 2015. Collection method: clinical testing. Allele origin: germline. Affected: yes. Observed: 1 variant allele, 1 homozygote.
Comment: The c.1767_1768del variant is not present in publicly available population databases like 1000 Genomes, ExAC, EVS, gnomAD, Indian Exome Database or our in-house exome database. The variant has neither been published nor reported to clinical databases like ClinVar, Human Genome Mutation Database (HGMD) or OMIM, in any affected individuals. In silico pathogenicity prediction programs like MutationTaster2, CADD, Varsome, Franklin etc predicted this variant to be likely deleterious. This variant causes frameshift at the 590th amino acid position of the original transcript, which creates a premature translational stop signal in the altered transcript that may either result in translation of a truncated protein or cause nonsense-mediated decay of the mRNA.

Literature cited by the submitters: PubMed 12664304 (cited by Labcorp Genetics (formerly Invitae), Labcorp).

NM_022081.6(HPS4):c.1767_1768del (p.Leu590fs)

Gene: HPS4 (HPS4 biogenesis of lysosomal organelles complex 3 subunit 2; minus strand). Cytogenetic location: 22q12.1.
Variant type: Deletion.
Coding change: c.1767_1768del on transcript NM_022081.6 (MANE Select); coding-DNA positions 1767 to 1768, 2 bases deleted (GC; older notation c.1767_1768delGC).
Protein change: p.Leu590fs; shifts the reading frame from leucine 590.
Molecular consequence: frameshift variant. On other transcripts: non-coding transcript variant (8), intron variant (2).
Genome position (GRCh38, 1-based): chr22:26,458,523-26,458,524, GC deleted on the plus strand (GC on the coding strand, the reverse complement: HPS4 is on the minus strand); deleting any 2 consecutive bases within chr22:26,458,523-26,458,525 gives the same sequence; the c. name uses the placement nearest the transcript's 3' end. VCF-style (leftmost placement, unchanged base first): chr22-26458522-AGC-A. GRCh37 (hg19) VCF-style: chr22-26854488-AGC-A.
Other names: c.1767_1768del, p.Leu590fs (NM_001349896.1, NM_001349898.2, NM_001349899.2 and 2 more transcripts); c.1821_1822del, p.Leu608fs (NM_001349900.2, NM_001349901.1); c.1766_1767delCG, p.Leu590Alafs (NM_001410832.1); c.1752_1753del, p.Leu585fs (NM_152841.2); c.1714-5120_1714-5119del (NM_001349902.1, NM_001349903.2); short protein forms L585fs, L590fs, L608fs.
Identifiers: ClinVar variation 2413185 (VCV002413185.7), dbSNP rs2518062993, ClinGen allele CA2580099334.
Genomic context (GRCh38, chr22:26,458,522, plus strand): 5'-ATGCGGTCGTAATGTGTGAAGTTGTAGGTGCTGCTCGTGGAGGCTGCCTCATCCCTGGGC[AGC>A]GTCTCTTTCAGGTGGACTTCCAGCCCATTCAGTGAAGCCAGGCTGCTGTGGTACTGCAAA-3'